The following is an entry in ClinVar:

ClinVar aggregate classification (germline): Likely pathogenic (1 of 4 stars; one submission).

Submission:

GeneDx
Classification: Likely pathogenic. Last evaluated: 2025-04-17. Review status: criteria provided, single submitter. Criteria: GeneDx Variant Classification Process June 2021. Collection method: clinical testing. Allele origin: germline. Affected: yes.
Comment: Not observed at significant frequency in large population cohorts (gnomAD); In silico analysis supports that this missense variant has a deleterious effect on protein structure/function; This variant is associated with the following publications: (PMID: 23551858)

NM_000346.4(SOX9):c.494A>C (p.His165Pro)

Gene: SOX9 (SRY-box transcription factor 9; plus strand). Cytogenetic location: 17q24.3.
Variant type: single nucleotide variant.
Coding change: c.494A>C on transcript NM_000346.4 (MANE Select); coding-DNA position 494, A replaced by C.
Protein change: p.His165Pro; replaces histidine 165 with proline.
Molecular consequence: missense variant.
Genome position (GRCh38, 1-based): chr17:72,122,781, A>C. VCF-style: chr17-72122781-A-C. GRCh37 (hg19) VCF-style: chr17-70118922-A-C.
Other names: short protein forms H165P.
Identifiers: ClinVar variation 3338856 (VCV003338856.2).
Genomic context (GRCh38, chr17:72,122,781, plus strand): 5'-TTCTGAACGAGAGCGAGAAGCGGCCCTTCGTGGAGGAGGCGGAGCGGCTGCGCGTGCAGC[A>C]CAAGAAGGACCACCCGGATTACAAGTACCAGCCGCGGCGGAGGAAGTCGGTGAAGAACGG-3'
Protein context (NP_000337.1, residues 155-175): VEEAERLRVQ[His165Pro]KKDHPDYKYQ